The following is an entry in ClinVar:

NM_000548.5(TSC2):c.1037T>A (p.Ile346Asn)

Gene: TSC2 (TSC complex subunit 2; plus strand). Cytogenetic location: 16p13.3.
Variant type: single nucleotide variant.
Coding change: c.1037T>A on transcript NM_000548.5 (MANE Select); coding-DNA position 1037, T replaced by A.
Protein change: p.Ile346Asn; replaces isoleucine 346 with asparagine.
Molecular consequence: missense variant. On other transcripts: 5 prime UTR variant (10), non-coding transcript variant (5).
Genome position (GRCh38, 1-based): chr16:2,060,731, T>A. VCF-style: chr16-2060731-T-A. GRCh37 (hg19) VCF-style: chr16-2110732-T-A.
Other names: c.890T>A, p.Ile297Asn (NM_001406679.1, NM_001318829.2, NM_001406675.1 and 1 more transcripts); c.437T>A, p.Ile146Asn (NM_001406680.1, NM_001406682.1, NM_001406683.1 and 6 more transcripts); c.575T>A, p.Ile192Asn (NM_001406681.1); c.-395T>A (NM_001406689.1, NM_001406690.1, NM_001406691.1 and 4 more transcripts); c.-276T>A (NM_001406694.1, NM_001406695.1); c.-571T>A (NM_001406698.1); c.1037T>A, p.Ile346Asn (NM_021055.3, NM_001077183.3, NM_001114382.3 and 6 more transcripts); c.926T>A, p.Ile309Asn (NM_001318827.2, NM_001406670.1, NM_001406678.1); and 4 more; short protein forms I192N, I327N, I146N, I357N, I297N, I376N, I309N, I342N.
Identifiers: ClinVar variation 2732728 (VCV002732728.3), dbSNP rs2151136498, ClinGen allele CA394317694.

ClinVar aggregate classification (germline): Likely pathogenic (1 of 4 stars; one submission).

Conditions:
Tuberous sclerosis 2 (TSC2). Identifiers: Orphanet 805, MedGen C1860707, MONDO:0013199, OMIM 613254.

Submission:

Labcorp Genetics (formerly Invitae), Labcorp
Classification: Likely pathogenic for Tuberous sclerosis 2. Last evaluated: 2023-09-13. Review status: criteria provided, single submitter. Criteria: Invitae Variant Classification Sherloc (09022015). Collection method: clinical testing. Allele origin: germline.
Comment: In summary, the currently available evidence indicates that the variant is pathogenic, but additional data are needed to prove that conclusively. Therefore, this variant has been classified as Likely Pathogenic. Advanced modeling of protein sequence and biophysical properties (such as structural, functional, and spatial information, amino acid conservation, physicochemical variation, residue mobility, and thermodynamic stability) performed at Invitae indicates that this missense variant is not expected to disrupt TSC2 protein function. This missense change has been observed in individual(s) with tuberous sclerosis complex (Invitae). In at least one individual the variant was observed to be de novo. This variant is not present in population databases (gnomAD no frequency). This sequence change replaces isoleucine, which is neutral and non-polar, with asparagine, which is neutral and polar, at codon 346 of the TSC2 protein (p.Ile346Asn).